The following is an entry in ClinVar:

ClinVar aggregate classification (germline): Uncertain significance (1 of 4 stars; one submission).

Allele frequency attached by ClinVar (database versions not stated): gnomAD 0.00001.
gnomAD v4.1: 10 of 1,612,740 alleles (0.00062%); highest among the groups gnomAD compares: Non-Finnish European, 0.00085%; no homozygotes.

Submission:

Labcorp Genetics (formerly Invitae), Labcorp
Classification: Uncertain significance. Last evaluated: 2022-08-07. Review status: criteria provided, single submitter. Criteria: Invitae Variant Classification Sherloc (09022015). Collection method: clinical testing. Allele origin: germline.
Comment: This sequence change replaces valine, which is neutral and non-polar, with isoleucine, which is neutral and non-polar, at codon 716 of the TTLL5 protein (p.Val716Ile). This variant is present in population databases (rs762017662, gnomAD 0.002%). This variant has not been reported in the literature in individuals affected with TTLL5-related conditions. ClinVar contains an entry for this variant (Variation ID: 1404719). Algorithms developed to predict the effect of missense changes on protein structure and function (SIFT, PolyPhen-2, Align-GVGD) all suggest that this variant is likely to be tolerated. In summary, the available evidence is currently insufficient to determine the role of this variant in disease. Therefore, it has been classified as a Variant of Uncertain Significance.

NM_015072.5(TTLL5):c.2146G>A (p.Val716Ile)

Gene: TTLL5 (tubulin tyrosine ligase like 5; plus strand). Cytogenetic location: 14q24.3.
Variant type: single nucleotide variant.
Coding change: c.2146G>A on transcript NM_015072.5 (MANE Select); coding-DNA position 2146, G replaced by A.
Protein change: p.Val716Ile; replaces valine 716 with isoleucine.
Molecular consequence: missense variant.
Genome position (GRCh38, 1-based): chr14:75,775,493, G>A. VCF-style: chr14-75775493-G-A. GRCh37 (hg19) VCF-style: chr14-76241836-G-A.
Other names: short protein forms V716I.
Identifiers: ClinVar variation 1404719 (VCV001404719.5), dbSNP rs762017662, ClinGen allele CA7279628.